The following is an entry in ClinVar:

ClinVar aggregate classification (germline): Pathogenic (1 of 4 stars; one submission).

Conditions:
Severe combined immunodeficiency due to DCLRE1C deficiency (RS-SCID). Also called: SCID, AUTOSOMAL RECESSIVE, T CELL-NEGATIVE, B CELL-NEGATIVE, NK CELL-POSITIVE, WITH SENSITIVITY TO IONIZING RADIATION. Identifiers: Orphanet 275, MedGen C1865371, MONDO:0011225, OMIM 602450.

Submission:

Labcorp Genetics (formerly Invitae), Labcorp
Classification: Pathogenic for Athabaskan severe combined immunodeficiency. Last evaluated: 2023-07-29. Review status: criteria provided, single submitter. Criteria: Invitae Variant Classification Sherloc (09022015). Collection method: clinical testing. Allele origin: unknown.
Comment: A similar copy number variant has been observed in individual(s) with severe combined immunodeficiency (PMID: 11336668, 28747913). This variant is a gross deletion of the genomic region encompassing exon(s) 1-4 of the DCLRE1C gene, which includes the initiator codon. This deletion extends beyond the assayed region for this gene and therefore may encompass additional genes. It is expected to result in an absent or disrupted protein product. Loss-of-function variants in DCLRE1C are known to be pathogenic (PMID: 21664875, 26123418). For these reasons, this variant has been classified as Pathogenic.

Literature cited by the submitters: PubMed 11336668; PubMed 28747913; PubMed 21664875; PubMed 26123418.

NC_000010.10:g.(?_14981789)_(14996009_?)del

Gene: DCLRE1C (DNA cross-link repair 1C; minus strand). Cytogenetic location: 10p13.
Variant type: Deletion.
Identifiers: ClinVar variation 3244868 (VCV003244868.1).